The following is an entry in ClinVar:

NM_001351132.2(PEX5):c.1701C>T (p.Ile567=)

Gene: PEX5 (peroxisomal biogenesis factor 5; plus strand). Cytogenetic location: 12p13.31.
Variant type: single nucleotide variant.
Coding change: c.1701C>T on transcript NM_001351132.2 (MANE Select); coding-DNA position 1701, C replaced by T.
Protein change: p.Ile567=; no amino-acid change (isoleucine 567 retained).
Molecular consequence: synonymous variant.
Genome position (GRCh38, 1-based): chr12:7,209,823, C>T. VCF-style: chr12-7209823-C-T. GRCh37 (hg19) VCF-style: chr12-7362419-C-T.
Other names: c.1677C>T, p.Ile559= (NM_000319.5); c.1746C>T, p.Ile582= (NM_001131023.2); c.1590C>T, p.Ile530= (NM_001131024.2, NM_001351124.3, NM_001351126.2 and 7 more transcripts); c.1701C>T, p.Ile567= (NM_001131025.2, NM_001131026.2, NM_001300789.3 and 4 more transcripts); c.1635C>T, p.Ile545= (NM_001351135.3, NM_001351138.2); c.1692C>T, p.Ile564= (NM_001351136.2); c.1566C>T, p.Ile522= (NM_001351139.2, NM_001351140.2, NM_001374649.2).
Identifiers: ClinVar variation 3036304 (VCV003036304.2), dbSNP rs369936323, ClinGen allele CA6426548.
Genomic context (GRCh38, chr12:7,209,823, plus strand): 5'-GGCCCTCGAGCTCCAGCCTGGCTATATCCGGTCCCGCTATAACCTGGGCATCAGCTGCAT[C>T]AACCTCGGGGCTCACCGGTGAGAGTATCTATTGAGAAATGAATGAATGAGCTTTTTCTCC-3'
Protein context (NP_001338061.1, residues 557-577): RSRYNLGISC[Ile567=]NLGAHREAVE

ClinVar aggregate classification (germline): Likely benign (0 of 4 stars; one submission).

Conditions:
PEX5-related disorder. Also called: PEX5-related condition; PEX5-Related Disorders.

Allele frequency attached by ClinVar (database versions not stated): ExAC 0.00002; gnomAD 0.00002; TOPMed 0.00002; ESP Exome Variant Server 0.00008; 1000 Genomes Project 0.00020; 1000 Genomes Project 30x 0.00031.
gnomAD v4.1: 3 of 1,614,232 alleles (0.00019%); highest among the groups gnomAD compares: African/African-American, 0.004%; no homozygotes.

Submission:

PreventionGenetics, part of Exact Sciences
Classification: Likely benign for PEX5-related condition. Last evaluated: 2023-07-11. Review status: no assertion criteria provided. Collection method: clinical testing. Allele origin: germline.
Comment: This variant is classified as likely benign based on ACMG/AMP sequence variant interpretation guidelines (Richards et al. 2015 PMID: 25741868, with internal and published modifications).